The following is an entry in ClinVar:

NM_001282225.2(ADA2):c.1081+30C>T

Gene: ADA2 (adenosine deaminase 2; minus strand). Cytogenetic location: 22q11.1.
Variant type: single nucleotide variant.
Coding change: c.1081+30C>T on transcript NM_001282225.2 (MANE Select); 30 bases into the intron after coding-DNA position 1081, C replaced by T.
Molecular consequence: intron variant.
Genome position (GRCh38, 1-based): chr22:17,188,309, G>A on the plus strand (C>T on the coding strand, the complement: ADA2 is on the minus strand). VCF-style: chr22-17188309-G-A. GRCh37 (hg19) VCF-style: chr22-17669199-G-A.
Other names: c.955+30C>T (NM_001282227.2, NM_001282228.2); c.721+30C>T (NM_001282229.2); c.1081+30C>T (NM_001282226.2); c.358+30C>T (NM_177405.3).
Identifiers: ClinVar variation 1274937 (VCV001274937.4), dbSNP rs7284498, ClinGen allele CA10087970.

ClinVar aggregate classification (germline): Benign. Review status: criteria provided, multiple submitters, no conflicts (2 of 4 stars). 3 submissions from 3 submitters: Benign (3). Last evaluated 2023-11-12.

Allele frequency attached by ClinVar (database versions not stated): gnomAD exomes 0.20228 and 0.19466; ExAC 0.20445; 1000 Genomes Project 30x 0.17520; 1000 Genomes Project 0.18131; TOPMed 0.18528; gnomAD 0.19331 and 0.19366; ESP Exome Variant Server 0.19676.

Submissions (3):

Unidad de Genómica Garrahan, Hospital de Pediatría Garrahan
Classification: Benign. Last evaluated: 2023-11-12. Review status: criteria provided, single submitter. Criteria: ACMG Guidelines, 2015. Collection method: clinical testing. Allele origin: germline. Affected: no. Observed: 25 variant alleles.
Comment: This variant is classified as Benign based on local population frequency. This variant was detected in 26% of patients studied by a panel of primary immunodeficiencies. Number of patients: 25. Only high quality variants are reported.

GeneDx
Classification: Benign. Last evaluated: 2021-05-10. Review status: criteria provided, single submitter. Criteria: GeneDx Variant Classification Process June 2021. Collection method: clinical testing. Allele origin: germline. Affected: yes.

Breakthrough Genomics
Classification: Benign. Review status: criteria provided, single submitter. Criteria: ACMG Guidelines, 2015. Collection method: not provided. Allele origin: germline. Inheritance: Autosomal recessive inheritance. Affected: yes.